The following is an entry in ClinVar:

ClinVar aggregate classification (germline): Conflicting classifications of pathogenicity. Review status: criteria provided, conflicting classifications (1 of 4 stars). 2 submissions from 2 submitters: Likely pathogenic (1); Uncertain significance (1). Last evaluated 2024-08-15.

gnomAD v4.1: 3 of 1,613,932 alleles (0.00019%); highest among the groups gnomAD compares: Non-Finnish European, 0.00025%; no homozygotes.

Submissions (2):

Labcorp Genetics (formerly Invitae), Labcorp
Classification: Likely pathogenic. Last evaluated: 2024-08-15. Review status: criteria provided, single submitter. Criteria: Invitae Variant Classification Sherloc (09022015). Collection method: clinical testing. Allele origin: germline.
Comment: This sequence change replaces leucine, which is neutral and non-polar, with arginine, which is basic and polar, at codon 1970 of the ABCA4 protein (p.Leu1970Arg). This variant is present in population databases (no rsID available, gnomAD 0.0009%). This missense change has been observed in individual(s) with cone-rod dystrophy and/or Stargardt disease (PMID: 36672815; Invitae). Invitae Evidence Modeling of protein sequence and biophysical properties (such as structural, functional, and spatial information, amino acid conservation, physicochemical variation, residue mobility, and thermodynamic stability) indicates that this missense variant is expected to disrupt ABCA4 protein function with a positive predictive value of 95%. In summary, the currently available evidence indicates that the variant is pathogenic, but additional data are needed to prove that conclusively. Therefore, this variant has been classified as Likely Pathogenic.

Blueprint Genetics
Classification: Uncertain significance. Last evaluated: 2021-10-11. Review status: criteria provided, single submitter. Criteria: ACMG Guidelines, 2015. Collection method: clinical testing. Allele origin: germline.

Literature cited by the submitters: PubMed 36672815 (cited by Labcorp Genetics (formerly Invitae), Labcorp).

NM_000350.3(ABCA4):c.5909T>G (p.Leu1970Arg)

Gene: ABCA4 (ATP binding cassette subfamily A member 4; minus strand). Cytogenetic location: 1p22.1.
Variant type: single nucleotide variant.
Coding change: c.5909T>G on transcript NM_000350.3 (MANE Select); coding-DNA position 5909, T replaced by G.
Protein change: p.Leu1970Arg; replaces leucine 1970 with arginine.
Molecular consequence: missense variant.
Genome position (GRCh38, 1-based): chr1:94,007,730, A>C on the plus strand (T>G on the coding strand, the complement: ABCA4 is on the minus strand). VCF-style: chr1-94007730-A-C. GRCh37 (hg19) VCF-style: chr1-94473286-A-C.
Other names: c.5687T>G, p.Leu1896Arg (NM_001425324.1); short protein forms L1896R, L1970R.
Identifiers: ClinVar variation 3672358 (VCV003672358.3).